The following is an entry in ClinVar:

ClinVar aggregate classification (germline): Uncertain significance. Review status: criteria provided, multiple submitters, no conflicts (2 of 4 stars). 8 submissions from 8 submitters: Uncertain significance (7). 1 of the submissions does not count toward it. Last evaluated 2024-08-27.

Conditions:
Hereditary cancer-predisposing syndrome. Also called: Hereditary Cancer Syndrome; Neoplastic Syndromes, Hereditary; Tumor predisposition; Hereditary neoplastic syndrome. Identifiers: Orphanet 140162, MedGen C0027672, MeSH D009386, MONDO:0015356.
Aplastic anemia. Identifiers: Orphanet 182040, Orphanet 88, MedGen C0002874, MONDO:0015909, OMIM 609135, HP:0001915.
Microcephaly, normal intelligence and immunodeficiency (NBS). Also called: BERLIN BREAKAGE SYNDROME; Ataxia telangiectasia variant V1; IMMUNODEFICIENCY, MICROCEPHALY, AND CHROMOSOMAL INSTABILITY; SEEMANOVA SYNDROME II; Nijmegen breakage syndrome; Microcephaly with normal intelligence immunodeficiency and lymphoreticular malignancies. Identifiers: Orphanet 647, MedGen C0398791, MONDO:0009623, OMIM 251260.

Allele frequency attached by ClinVar (database versions not stated): gnomAD exomes below 0.00001 and 0.00002; TOPMed 0.00001; ExAC 0.00004.
gnomAD v4.1: 5 of 1,549,686 alleles (0.00032%); highest among the groups gnomAD compares: Non-Finnish European, 0.00044%; no homozygotes.

Submissions (8):

Labcorp Genetics (formerly Invitae), Labcorp
Classification: Uncertain significance for Microcephaly, normal intelligence and immunodeficiency. Last evaluated: 2024-08-27. Review status: criteria provided, single submitter. Criteria: Invitae Variant Classification Sherloc (09022015). Collection method: clinical testing. Allele origin: germline.
Comment: This sequence change replaces glutamic acid, which is acidic and polar, with lysine, which is basic and polar, at codon 617 of the NBN protein (p.Glu617Lys). This variant is present in population databases (rs766602873, gnomAD 0.005%). This variant has not been reported in the literature in individuals affected with NBN-related conditions. ClinVar contains an entry for this variant (Variation ID: 230513). An algorithm developed to predict the effect of missense changes on protein structure and function (PolyPhen-2) suggests that this variant¬†is likely to be tolerated. In summary, the available evidence is currently insufficient to determine the role of this variant in disease. Therefore, it has been classified as a Variant of Uncertain Significance.

Ambry Genetics
Classification: Uncertain significance for Hereditary cancer-predisposing syndrome. Last evaluated: 2023-12-18. Review status: criteria provided, single submitter. Criteria: Ambry Variant Classification Scheme 2023. Collection method: clinical testing. Allele origin: germline.
Comment: The p.E617K variant (also known as c.1849G>A), located in coding exon 12 of the NBN gene, results from a G to A substitution at nucleotide position 1849. The glutamic acid at codon 617 is replaced by lysine, an amino acid with similar properties. This variant was reported in 0/60,466 breast cancer cases and in 2/53,461 controls (Dorling et al. N Engl J Med. 2021 02;384:428-439). This amino acid position is highly conserved in available vertebrate species. In addition, this alteration is predicted to be tolerated by in silico analysis. Since supporting evidence is limited at this time, the clinical significance of this alteration remains unclear.

Baylor Genetics
Classification: Uncertain significance for Aplastic anemia. Last evaluated: 2023-05-30. Review status: criteria provided, single submitter. Criteria: ACMG Guidelines, 2015. Collection method: clinical testing. Allele origin: unknown.

Genome-Nilou Lab
Classification: Uncertain significance for Microcephaly, normal intelligence and immunodeficiency. Last evaluated: 2021-11-07. Review status: criteria provided, single submitter. Criteria: ACMG Guidelines, 2015. Collection method: clinical testing. Allele origin: germline. Affected: no.

Women's Health and Genetics/Laboratory Corporation of America, LabCorp
Classification: Uncertain significance. Last evaluated: 2021-01-30. Review status: criteria provided, single submitter. Criteria: LabCorp Variant Classification Summary - May 2015. Collection method: clinical testing. Allele origin: germline.
Comment: Variant summary: NBN c.1849G>A (p.Glu617Lys) results in a conservative amino acid change in the encoded protein sequence. Four of five in-silico tools predict a benign effect of the variant on protein function. The variant allele was found at a frequency of 1.9e-05 in 214106 control chromosomes. The available data on variant occurrences in the general population are insufficient to allow any conclusion about variant significance. To our knowledge, no occurrence of c.1849G>A in individuals affected with Nijmegen Breakage Syndrome and no experimental evidence demonstrating its impact on protein function have been reported. Four clinical diagnostic laboratories have submitted clinical-significance assessments for this variant to ClinVar after 2014 without evidence for independent evaluation. All laboratories classified the variant as uncertain significance. Based on the evidence outlined above, the variant was classified as uncertain significance.

Color Diagnostics, LLC DBA Color Health
Classification: Uncertain significance for Hereditary cancer-predisposing syndrome. Last evaluated: 2020-09-15. Review status: criteria provided, single submitter. Criteria: ACMG Guidelines, 2015. Collection method: clinical testing. Allele origin: germline.
Comment: This missense variant replaces glutamic acid with lysine at codon 617 of the NBN protein. Computational prediction suggests that this variant may not impact protein structure and function (internally defined REVEL score threshold <= 0.5, PMID: 27666373). To our knowledge, functional studies have not been reported for this variant. This variant has not been reported in individuals affected with hereditary cancer in the literature. This variant has been identified in 4/214106 chromosomes in the general population by the Genome Aggregation Database (gnomAD). The available evidence is insufficient to determine the role of this variant in disease conclusively. Therefore, this variant is classified as a Variant of Uncertain Significance.

Mendelics
Classification: Uncertain significance for Microcephaly, normal intelligence and immunodeficiency. Last evaluated: 2018-07-02. Review status: criteria provided, single submitter. Criteria: Mendelics Assertion Criteria 2017. Collection method: clinical testing. Allele origin: unknown.

Natera, Inc.
Classification: Uncertain significance for Nijmegen breakage syndrome. Last evaluated: 2020-08-31. Review status: no assertion criteria provided. Collection method: clinical testing. Allele origin: germline. Not counted in ClinVar's aggregate classification.

Literature cited by the submitters: PubMed 33471991 (cited by Ambry Genetics).

NM_002485.5(NBN):c.1849G>A (p.Glu617Lys)

Genes: NBN (nibrin; minus strand), LOC126860438 (MED14-independent group 3 enhancer GRCh37_chr8:90959982-90961181; plus strand). Cytogenetic location: 8q21.3.
Variant type: single nucleotide variant.
Coding change: c.1849G>A on transcript NM_002485.5 (MANE Select); coding-DNA position 1849, G replaced by A.
Protein change: p.Glu617Lys; replaces glutamic acid 617 with lysine.
Molecular consequence: missense variant.
Genome position (GRCh38, 1-based): chr8:89,947,889, C>T on the plus strand (G>A on the coding strand, the complement: NBN is on the minus strand). VCF-style: chr8-89947889-C-T. GRCh37 (hg19) VCF-style: chr8-90960117-C-T.
Other names: c.1603G>A, p.Glu535Lys (NM_001024688.3); short protein forms E617K, E535K.
Identifiers: ClinVar variation 230513 (VCV000230513.26), dbSNP rs766602873, ClinGen allele CA4802667.
Genomic context (GRCh38, chr8:89,947,889, plus strand): 5'-TTTCTTTAGCTGACCATAGTGAGTCTTCCTTGAGTTCACGTTTCTTCCCAATTTCATTTT[C>T]TTGCTAAAGAAATAAAATAAAAAATACTGTTCATAGGAGTAATAAAATGGTATGTTTCTA-3'
Protein context (NP_002476.2, residues 607-627): AVPESSKISQ[Glu617Lys]NEIGKKRELK